The following is an entry in ClinVar:

NM_001184.4(ATR):c.2409A>G (p.Lys803=)

Gene: ATR (ATR checkpoint kinase; minus strand). Cytogenetic location: 3q23.
Variant type: single nucleotide variant.
Coding change: c.2409A>G on transcript NM_001184.4 (MANE Select); coding-DNA position 2409, A replaced by G.
Protein change: p.Lys803=; no amino-acid change (lysine 803 retained).
Molecular consequence: synonymous variant.
Genome position (GRCh38, 1-based): chr3:142,553,948, T>C on the plus strand (A>G on the coding strand, the complement: ATR is on the minus strand). VCF-style: chr3-142553948-T-C. GRCh37 (hg19) VCF-style: chr3-142272790-T-C.
Other names: c.2217A>G, p.Lys739= (NM_001354579.2).
Identifiers: ClinVar variation 1094000 (VCV001094000.35), dbSNP rs766396565, ClinGen allele CA2650363.

ClinVar aggregate classification (germline): Likely benign. Review status: criteria provided, multiple submitters, no conflicts (2 of 4 stars). 5 submissions from 4 submitters: Likely benign (5). Last evaluated 2025-10-06.

Conditions:
Seckel syndrome 1 (SCKL1). Also called: MICROCEPHALIC PRIMORDIAL DWARFISM I. Identifiers: Orphanet 808, MedGen C4551474, MONDO:0008869, OMIM 210600.
Familial cutaneous telangiectasia and oropharyngeal predisposition cancer syndrome. Identifiers: Orphanet 313846, MedGen C3281203, MONDO:0013806, OMIM 614564.
Inborn genetic diseases. Identifiers: MedGen C0950123, MeSH D030342.

Allele frequency attached by ClinVar (database versions not stated): ExAC 0.00002.
gnomAD v4.1: 45 of 1,610,792 alleles (0.0028%); highest among the groups gnomAD compares: Non-Finnish European, 0.0036%; no homozygotes.

Submissions (5):

Labcorp Genetics (formerly Invitae), Labcorp
Classification: Likely benign. Last evaluated: 2025-10-06. Review status: criteria provided, single submitter. Criteria: Invitae Variant Classification Sherloc (09022015). Collection method: clinical testing. Allele origin: germline.

CeGaT Center for Human Genetics Tuebingen
Classification: Likely benign. Last evaluated: 2024-01-01. Review status: criteria provided, single submitter. Criteria: CeGaT Center For Human Genetics Tuebingen Variant Classification Criteria Version 2. Collection method: clinical testing. Allele origin: germline. Affected: yes. Observed: 2 variant alleles.
Comment: ATR: BP4

Genome-Nilou Lab
Classification: Likely benign for Seckel syndrome 1. Last evaluated: 2023-02-08. Review status: criteria provided, single submitter. Criteria: ACMG Guidelines, 2015. Collection method: clinical testing. Allele origin: germline.

Genome-Nilou Lab
Classification: Likely benign for Familial cutaneous telangiectasia and oropharyngeal predisposition cancer syndrome. Last evaluated: 2023-02-08. Review status: criteria provided, single submitter. Criteria: ACMG Guidelines, 2015. Collection method: clinical testing. Allele origin: germline.

Ambry Genetics
Classification: Likely benign for Inborn genetic diseases. Last evaluated: 2022-03-24. Review status: criteria provided, single submitter. Criteria: Ambry Variant Classification Scheme 2023. Collection method: clinical testing. Allele origin: germline.